The following is an entry in ClinVar:

ClinVar aggregate classification (germline): Uncertain significance (1 of 4 stars; one submission).

Allele frequency attached by ClinVar (database versions not stated): gnomAD exomes below 0.00001; gnomAD 0.00001; TOPMed 0.00001.
gnomAD v4.1: 5 of 1,602,574 alleles (0.00031%); highest among the groups gnomAD compares: Non-Finnish European, 0.00043%; no homozygotes.

Submission:

Labcorp Genetics (formerly Invitae), Labcorp
Classification: Uncertain significance. Last evaluated: 2024-07-31. Review status: criteria provided, single submitter. Criteria: Invitae Variant Classification Sherloc (09022015). Collection method: clinical testing. Allele origin: germline.
Comment: This sequence change replaces proline, which is neutral and non-polar, with serine, which is neutral and polar, at codon 13 of the PPA2 protein (p.Pro13Ser). This variant is not present in population databases (gnomAD no frequency). This variant has not been reported in the literature in individuals affected with PPA2-related conditions. ClinVar contains an entry for this variant (Variation ID: 2010514). An algorithm developed to predict the effect of missense changes on protein structure and function (PolyPhen-2) suggests that this variant is likely to be tolerated. In summary, the available evidence is currently insufficient to determine the role of this variant in disease. Therefore, it has been classified as a Variant of Uncertain Significance.

NM_176869.3(PPA2):c.37C>T (p.Pro13Ser)

Gene: PPA2 (inorganic pyrophosphatase 2; minus strand). Cytogenetic location: 4q24.
Variant type: single nucleotide variant.
Coding change: c.37C>T on transcript NM_176869.3 (MANE Select); coding-DNA position 37, C replaced by T.
Protein change: p.Pro13Ser; replaces proline 13 with serine.
Molecular consequence: missense variant.
Genome position (GRCh38, 1-based): chr4:105,474,014, G>A on the plus strand (C>T on the coding strand, the complement: PPA2 is on the minus strand). VCF-style: chr4-105474014-G-A. GRCh37 (hg19) VCF-style: chr4-106395171-G-A.
Other names: c.37C>T, p.Pro13Ser (NM_006903.4, NM_176866.2, NM_176867.3); short protein forms P13S.
Identifiers: ClinVar variation 2010514 (VCV002010514.4), dbSNP rs1239519097, ClinGen allele CA357968097.